The following is an entry in ClinVar:

NM_003331.5(TYK2):c.1670-19A>G

Gene: TYK2 (tyrosine kinase 2; minus strand). Cytogenetic location: 19p13.2.
Variant type: single nucleotide variant.
Coding change: c.1670-19A>G on transcript NM_003331.5 (MANE Select); 19 bases into the intron before coding-DNA position 1670, A replaced by G.
Molecular consequence: intron variant.
Genome position (GRCh38, 1-based): chr19:10,362,200, T>C on the plus strand (A>G on the coding strand, the complement: TYK2 is on the minus strand). VCF-style: chr19-10362200-T-C. GRCh37 (hg19) VCF-style: chr19-10472876-T-C.
Other names: c.1670-19A>G (LRG_121t1).
Identifiers: ClinVar variation 390624 (VCV000390624.10), dbSNP rs534465521, ClinGen allele CA9193341.

ClinVar aggregate classification (germline): Benign/Likely benign. Review status: criteria provided, multiple submitters, no conflicts (2 of 4 stars). 3 submissions from 3 submitters: Benign (1); Likely benign (2). Last evaluated 2025-11-24.

Conditions:
Immunodeficiency 35 (IMD35). Also called: HIES WITH ATYPICAL MYCOBACTERIOSIS, AUTOSOMAL RECESSIVE; HYPER-IgE SYNDROME WITH ATYPICAL MYCOBACTERIOSIS, AUTOSOMAL RECESSIVE; Susceptibility to infection due to TYK2 deficiency; TYK2 DEFICIENCY. Identifiers: Orphanet 331226, MedGen C1969086, MONDO:0012682, OMIM 611521.

Allele frequency attached by ClinVar (database versions not stated): gnomAD 0.00001 and 0.00042; TOPMed 0.00011; gnomAD exomes 0.00074 and 0.00143; ExAC 0.00175; 1000 Genomes Project 0.00280; 1000 Genomes Project 30x 0.00281.
gnomAD v4.1: 1,148 of 1,613,726 alleles (0.071%); highest among the groups gnomAD compares: South Asian, 1.2%; 8 homozygotes.

Submissions (3):

Labcorp Genetics (formerly Invitae), Labcorp
Classification: Benign for Immunodeficiency 35. Last evaluated: 2025-11-24. Review status: criteria provided, single submitter. Criteria: Invitae Variant Classification Sherloc (09022015). Collection method: clinical testing. Allele origin: germline.

Blueprint Genetics
Classification: Likely benign. Last evaluated: 2024-11-18. Review status: criteria provided, single submitter. Criteria: ACMG Guidelines, 2015. Collection method: clinical testing. Allele origin: germline.

GeneDx
Classification: Likely benign. Last evaluated: 2018-03-05. Review status: criteria provided, single submitter. Criteria: GeneDx Variant Classification (06012015). Collection method: clinical testing. Allele origin: germline. Affected: yes.
Comment: This variant is considered likely benign or benign based on one or more of the following criteria: it is a conservative change, it occurs at a poorly conserved position in the protein, it is predicted to be benign by multiple in silico algorithms, and/or has population frequency not consistent with disease.